The following is an entry in ClinVar:

NM_001267550.2(TTN):c.73734G>A (p.Trp24578Ter)

Genes: TTN (titin; minus strand), TTN-AS1 (TTN antisense RNA 1; plus strand). Cytogenetic location: 2q31.2.
Variant type: single nucleotide variant.
Coding change: c.73734G>A on transcript NM_001267550.2 (MANE Select); coding-DNA position 73734, G replaced by A.
Protein change: p.Trp24578Ter; replaces tryptophan 24578 with a stop codon.
Molecular consequence: nonsense.
Genome position (GRCh38, 1-based): chr2:178,572,398, C>T on the plus strand (G>A on the coding strand, the complement: TTN is on the minus strand). VCF-style: chr2-178572398-C-T. GRCh37 (hg19) VCF-style: chr2-179437125-C-T.
Other names: c.68811G>A, p.Trp22937Ter (NM_001256850.1); c.46539G>A, p.Trp15513Ter (NM_003319.4); c.66030G>A, p.Trp22010Ter (NM_133378.4); c.46914G>A, p.Trp15638Ter (NM_133432.3); c.47115G>A, p.Trp15705Ter (NM_133437.4); short protein forms W15513*, W22010*, W24578*, W15638*, W15705*, W22937*.
Identifiers: ClinVar variation 1506917 (VCV001506917.7), dbSNP rs753105114, ClinGen allele CA349637291.

ClinVar aggregate classification (germline): Pathogenic/Likely pathogenic. Review status: criteria provided, multiple submitters, no conflicts (2 of 4 stars). 2 submissions from 2 submitters: Pathogenic (1); Likely pathogenic (1). Last evaluated 2025-05-27.

Conditions:
Cardiovascular phenotype. Identifiers: MedGen CN230736.
Dilated cardiomyopathy 1G (CMD1G). Identifiers: Orphanet 154, MedGen C1858763, MONDO:0011400, OMIM 604145.
Autosomal recessive limb-girdle muscular dystrophy type 2J (LGMDR10). Also called: Limb-girdle muscular dystrophy, type 2J; MUSCULAR DYSTROPHY, LIMB-GIRDLE, AUTOSOMAL RECESSIVE 10. Identifiers: Orphanet 140922, MedGen C1837342, MONDO:0012127, OMIM 608807.

gnomAD v4.1: 1 of 1,613,048 alleles (0.000062%); no homozygotes.

Submissions (2):

Labcorp Genetics (formerly Invitae), Labcorp
Classification: Pathogenic for Dilated cardiomyopathy 1G; Autosomal recessive limb-girdle muscular dystrophy type 2J. Last evaluated: 2025-05-27. Review status: criteria provided, single submitter. Criteria: Invitae Variant Classification Sherloc (09022015). Collection method: clinical testing. Allele origin: germline.
Comment: This sequence change creates a premature translational stop signal (p.Trp24578*) in the TTN gene. While this is not anticipated to result in nonsense mediated decay, it is expected to create a truncated TTN protein. This variant is not present in population databases (gnomAD no frequency). This premature translational stop signal has been observed in individual(s) with clinical features of limb-girdle muscular dystrophy (PMID: 37407718). In at least one individual the data is consistent with being in trans (on the opposite chromosome) from a pathogenic variant. ClinVar contains an entry for this variant (Variation ID: 1506917). This variant is located in the A band of TTN (PMID: 25589632). Truncating variants in this region are significantly overrepresented in patients affected with dilated cardiomyopathy (PMID: 25589632). Truncating variants in this region have also been reported in individuals affected with autosomal recessive centronuclear myopathy (PMID: 23975875). For these reasons, this variant has been classified as Pathogenic.

Ambry Genetics
Classification: Likely pathogenic for Cardiovascular phenotype. Last evaluated: 2024-11-22. Review status: criteria provided, single submitter. Criteria: Ambry Variant Classification Scheme 2023. Collection method: clinical testing. Allele origin: germline.
Comment: The p.W15513* variant (also known as c.46539G>A), located in coding exon 153 of the TTN gene, results from a G to A substitution at nucleotide position 46539. This changes the amino acid from a tryptophan to a stop codon within coding exon 153. This exon is located in the A-band region of the N2-B isoform of the titin protein and is constitutively expressed in TTN transcripts (percent spliced in or PSI 100%). This variant is considered to be rare based on population cohorts in the Genome Aggregation Database (gnomAD). This alteration is expected to result in loss of function by premature protein truncation or nonsense-mediated mRNA decay. While truncating variants in TTN are present in 1-3% of the general population, truncating variants in the A-band are the most common cause of dilated cardiomyopathy (DCM) (Herman DS et al. N. Engl. J. Med., 2012 Feb;366:619-28; Roberts AM et al. Sci Transl Med, 2015 Jan;7:270ra6). TTN truncating variants encoded in constitutive exons (PSI >90%) have been found to be significantly associated with DCM regardless of their position in titin (Schafer S et al. Nat. Genet., 2017 01;49:46-53). Based on the majority of available evidence to date, this variant is likely to be pathogenic.

Literature cited by the submitters: PubMed 37407718 (cited by Labcorp Genetics (formerly Invitae), Labcorp); PubMed 25589632 (cited by Labcorp Genetics (formerly Invitae), Labcorp); PubMed 23975875 (cited by Labcorp Genetics (formerly Invitae), Labcorp).